The following is an entry in ClinVar:

ClinVar aggregate classification (germline): Uncertain significance (1 of 4 stars; one submission).

Submission:

Women's Health and Genetics/Laboratory Corporation of America, LabCorp
Classification: Uncertain significance. Last evaluated: 2024-03-13. Review status: criteria provided, single submitter. Criteria: LabCorp Variant Classification Summary - May 2015. Collection method: clinical testing. Allele origin: germline.
Comment: Variant summary: NEB c.18136G>A (p.Ala6046Thr) results in a non-conservative amino acid change in the encoded protein sequence. Four of five in-silico tools predict a damaging effect of the variant on protein function. The variant was absent in 244784 control chromosomes. The available data on variant occurrences in the general population are insufficient to allow any conclusion about variant significance. To our knowledge, no occurrence of c.18136G>A in individuals affected with Nemaline Myopathy 2 and no experimental evidence demonstrating its impact on protein function have been reported. No submitters have cited clinical-significance assessments for this variant to ClinVar. Based on the evidence outlined above, the variant was classified as uncertain significance.

NM_001164508.2(NEB):c.18136G>A (p.Ala6046Thr)

Gene: NEB (nebulin; minus strand). Cytogenetic location: 2q23.3.
Variant type: single nucleotide variant.
Coding change: c.18136G>A on transcript NM_001164508.2 (MANE Select); coding-DNA position 18136, G replaced by A.
Protein change: p.Ala6046Thr; replaces alanine 6046 with threonine.
Molecular consequence: missense variant.
Genome position (GRCh38, 1-based): chr2:151,567,188, C>T on the plus strand (G>A on the coding strand, the complement: NEB is on the minus strand). VCF-style: chr2-151567188-C-T. GRCh37 (hg19) VCF-style: chr2-152423702-C-T.
Other names: c.18136G>A, p.Ala6046Thr (NM_001164507.2, NM_001271208.2); c.13033G>A, p.Ala4345Thr (NM_004543.5); short protein forms A4345T, A6046T.
Identifiers: ClinVar variation 3233459 (VCV003233459.2), dbSNP rs2096445433, ClinGen allele CA348802817.